The following is an entry in ClinVar:

NM_000551.4(VHL):c.233A>G (p.Asn78Ser)

Gene: VHL (von Hippel-Lindau tumor suppressor; plus strand). Cytogenetic location: 3p25.3.
Variant type: single nucleotide variant.
Coding change: c.233A>G on transcript NM_000551.4 (MANE Select); coding-DNA position 233, A replaced by G.
Protein change: p.Asn78Ser; replaces asparagine 78 with serine.
Molecular consequence: missense variant.
Genome position (GRCh38, 1-based): chr3:10,142,080, A>G. VCF-style: chr3-10142080-A-G. GRCh37 (hg19) VCF-style: chr3-10183764-A-G.
Other names: NM_000551.4(VHL):c.233A>G; c.233A>G, p.Asn78Ser (NM_001354723.2, NM_198156.3); short protein forms N78S.
Identifiers: ClinVar variation 93326 (VCV000093326.33), dbSNP rs5030804, ClinGen allele CA020131.
Genomic context (GRCh38, chr3:10,142,080, plus strand): 5'-GGCCGCGGCCCGTGCTGCGCTCGGTGAACTCGCGCGAGCCCTCCCAGGTCATCTTCTGCA[A>G]TCGCAGTCCGCGCGTCGTGCTGCCCGTATGGCTCAACTTCGACGGCGAGCCGCAGCCCTA-3'
Protein context (NP_000542.1, residues 68-88): SREPSQVIFC[Asn78Ser]RSPRVVLPVW

ClinVar aggregate classification (germline): Pathogenic. Review status: reviewed by expert panel (3 of 4 stars). 14 submissions from 14 submitters: Pathogenic (1). 13 of the submissions do not count toward it. Last evaluated 2024-06-25.

Conditions:
VHL-related disorder. Also called: VHL-related condition.
Chuvash polycythemia. Also called: POLYCYTHEMIA, VHL-DEPENDENT. Identifiers: Orphanet 238557, MedGen C1837915, MONDO:0009892, OMIM 263400.
Von Hippel-Lindau syndrome (VHLS). Also called: von Hippel–Lindau syndrome; VHL syndrome; Von Hippel-Lindau. Identifiers: Orphanet 892, MedGen C0019562, MONDO:0008667, OMIM 193300. Disease mechanism: loss of function.
Hereditary cancer-predisposing syndrome. Also called: Tumor predisposition; Neoplastic Syndromes, Hereditary; Hereditary neoplastic syndrome; Hereditary Cancer Syndrome. Identifiers: Orphanet 140162, MedGen C0027672, MeSH D009386, MONDO:0015356.

Submissions 1 to 8 of 14:

ClinGen VHL Variant Curation Expert Panel, ClinGen
Classification: Pathogenic for Von Hippel-Lindau syndrome. Last evaluated: 2024-06-25. Review status: reviewed by expert panel. Criteria: ClinGen VHL VCEP ACMG Specifications VHL V1. Collection method: curation. Allele origin: germline. Inheritance: Autosomal dominant inheritance.
Comment: The variant NM_000551.4(VHL):c.233A>G (p.Asn78Ser) is a missense variant predicted to cause substitution of Asparagine by Serine. This variant is absent from gnomAD v4.1.0 (PM2_Supporting). This is identified in over 16 probands meeting either Danish criteria for VHL, or harboring other consistent features with VHL. The total phenotype points is 15.25, which meets the VHL VCEP specification of PS4 (5-15 phenotype points) (PMIDs:728151; 23842656; 25952756; 21463266; 25078357; 8634692; 23407287; 8707293; 8730290; 18067796; 12114495; 12202531; 17024664; 28388566; 18446368; 10567493; 29294023; 11850829) This variant has been identified as a de novo occurrence with unconfirmed parental relationships in 1 individual with VHL (PMID:12114495) (PM6). This variant is also seen 4 times in an online resource, which meets the criteria of PM1_Supporting, when using somatic data to inform a germline variant curation. However, as the variant resides in the first Beta domain of VHL, a critical functional domain, it meets the full moderate criteria of (PM1). Functional data shows this variant did not alter expression of HIF1a (102% for HIF1α , similar to the truncating control used) and 86% expression for HIF2α (PS3_Supporting; PMID:21715564). The computational predictor REVEL gives a score of 0.767, which is above the threshold of >0.664, evidence that correlates with impact to VHL function (PP3). In summary, this variant meets the criteria to be classified as Pathogenic for autosomal-dominant von Hippel Lindau syndrome (VHL syndrome) based on the ACMG/AMP criteria applied, as specified by the ClinGen VHL VCEP Version 1.0 (Specifications approval date: 02/26/2024. Variant Approval Date 06/25/2024).

Genetics Laboratory, Great Ormond Street Hospital NHS Foundation Trust, North Thames Genomic Laboratory Hub
Classification: Pathogenic for Von Hippel Lindau syndrome. Last evaluated: 2026-02-16. Review status: criteria provided, single submitter. Criteria: CanVIG Consensus Spec V3.0. Collection method: clinical testing. Allele origin: germline. Affected: yes. Not counted in ClinVar's aggregate classification.
Comment: PS4_strong, PM2_supporting, PP3_supporting, PS3_moderate, PM1_supporting, PM6_moderate

Ambry Genetics
Classification: Pathogenic for Hereditary cancer-predisposing syndrome. Last evaluated: 2025-04-22. Review status: criteria provided, single submitter. Criteria: Ambry Variant Classification Scheme 2023. Collection method: clinical testing. Allele origin: germline. Not counted in ClinVar's aggregate classification.
Comment: The p.N78S pathogenic mutation (also known as c.233A>G) is located in coding exon 1 of the VHL gene and results from an A to G substitution at nucleotide position 233. The asparagine at codon 78 is replaced by serine, an amino acid with highly similar properties. This mutation has been reported in multiple individuals and families with VHL and has been shown to co-segregate with disease (Chen et al. Hum Mut. 1995; 5(1): 66-75; Zbar et al. Hum Mut. 1996 8:348-357; Cybulski et al. J Med Genet. 2002 Jul;39(7):E38; Zhang et al. J Cancer Res Clin Oncol. 2008 Nov;134(11):1211-8; Siu et al. Chin Med J (Engl). 2011 Jan;124(2):237-41; Lee JS et al. BMC Med. Genet. 2016 07;17(1):48; Cingoz S et al. Fam Cancer 2013 Mar;12(1):111-7; Lin G et al. Exp Ther Med 2020 Aug;20(2):1237-1244; Qi XP et al. Mol Med Rep 2013 Sep;8(3):799-805). In one study, the p.N78S mutation, a type1 VHL protein mutant, was expressed in VHL-negative renal cell carcinoma cell lines. The authors concluded that VHL has both HIF-&aacute; dependent and HIF-&aacute; independent functions in regulating tight junctions and cell morphology that likely impact the clinical phenotypes seen in VHL disease (Bangiyeva et al. BMC Cancer 2009. Jul 14;9:229). Of note, this alteration is also referred to as 446A>G (Asn149Ser) in published literature. Based on the supporting evidence, this alteration is interpreted as a disease-causing mutation.

Labcorp Genetics (formerly Invitae), Labcorp
Classification: Pathogenic for Von Hippel-Lindau syndrome; Chuvash polycythemia. Last evaluated: 2025-02-23. Review status: criteria provided, single submitter. Criteria: Invitae Variant Classification Sherloc (09022015). Collection method: clinical testing. Allele origin: germline. Not counted in ClinVar's aggregate classification.
Comment: This sequence change replaces asparagine, which is neutral and polar, with serine, which is neutral and polar, at codon 78 of the VHL protein (p.Asn78Ser). This variant is not present in population databases (gnomAD no frequency). This missense change has been observed in individual(s) with von Hippel–Lindau disease (PMID: 7728151, 8956040, 12114495, 15109448, 15300849, 19464396, 23842656). It has also been observed to segregate with disease in related individuals. This variant is also known as N149S. ClinVar contains an entry for this variant (Variation ID: 93326). Invitae Evidence Modeling of protein sequence and biophysical properties (such as structural, functional, and spatial information, amino acid conservation, physicochemical variation, residue mobility, and thermodynamic stability) indicates that this missense variant is expected to disrupt VHL protein function with a positive predictive value of 95%. Experimental studies have shown that this missense change affects VHL function (PMID: 19602254, 21454469). For these reasons, this variant has been classified as Pathogenic.

Quest Diagnostics Nichols Institute San Juan Capistrano
Classification: Pathogenic. Last evaluated: 2024-10-05. Review status: criteria provided, single submitter. Criteria: Quest Diagnostics criteria. Collection method: clinical testing. Allele origin: unknown. Not counted in ClinVar's aggregate classification.
Comment: The VHL c.233A>G (p.Asn78Ser) variant has been reported in the published literature in individuals with von Hippel-Lindau (VHL) syndrome (PMID: 15300849 (2004), 19464396 (2009), 23842656 (2013), 27439424 (2016), 28388566 (2017), 32742360 (2020), 33720516 (2021)). This variant has also been identified in individuals with renal cell carcinoma (PMID: 35441217 (2002), 37405915 (2023)) and pheochromocytoma and paraganglioma (PPGL) (PMID: 37529773 (2023)). Assessment of experimental evidence suggests this variant results in abnormal protein function (PMID: 11739384 (2022), 19602254 (2009)). This variant has not been reported in large, multi-ethnic general populations (Genome Aggregation Database). Analysis of this variant using bioinformatics tools for the prediction of the effect of amino acid changes on protein structure and function yielded predictions that this variant is damaging. Based on the available information, this variant is classified as pathogenic.

Blueprint Genetics
Classification: Pathogenic for VHL-related disorders. Last evaluated: 2024-04-15. Review status: criteria provided, single submitter. Criteria: ACMG Guidelines, 2015. Collection method: clinical testing. Allele origin: germline. Affected: yes. Observed: 2 variant alleles. Not counted in ClinVar's aggregate classification.

Clinical Genetics Laboratory, Skane University Hospital Lund
Classification: Pathogenic. Last evaluated: 2024-02-02. Review status: criteria provided, single submitter. Criteria: ACMG Guidelines, 2015. Collection method: clinical testing. Allele origin: germline. Affected: yes. Not counted in ClinVar's aggregate classification.

GeneDx
Classification: Pathogenic. Last evaluated: 2022-09-13. Review status: criteria provided, single submitter. Criteria: GeneDx Variant Classification Process June 2021. Collection method: clinical testing. Allele origin: germline. Affected: yes. Not counted in ClinVar's aggregate classification.
Comment: Published functional studies demonstrate a damaging effect: an unstable protein resulting in up-regulation of HIF-2a and Glut-1, down-regulation of P27, and the disruption of pVHL and hVDU1 interactions in vitro (Li et al., 2002; Bangiyeva et al., 2009; Rechsteiner et al., 2011); In silico analysis supports that this missense variant has a deleterious effect on protein structure/function; Not observed at significant frequency in large population cohorts (gnomAD); Also known as 446A>G; This variant is associated with the following publications: (PMID: 8730290, 16775032, 8707293, 19602254, 18836774, 23757202, 8634692, 7553625, 15300849, 17661816, 11409863, 12202531, 7591282, 10567493, 17024664, 14767899, 21362373, 9452106, 21454469, 11739384, 21715564, 10408776, 7728151, 25563310, 23842656, 27530247, 27439424, 26984080, 27527340, 12114495, 15109448, 30338240, 30787465, 8956040, 33720516, 18446368, 20233476, 28559085, 32742360)